The following is an entry in ClinVar:

ClinVar aggregate classification (germline): Uncertain significance (1 of 4 stars; one submission).

gnomAD v4.1: 1 of 1,613,872 alleles (0.000062%); highest among the groups gnomAD compares: Admixed American, 0.0017%; no homozygotes.

Submission:

Labcorp Genetics (formerly Invitae), Labcorp
Classification: Uncertain significance. Last evaluated: 2025-04-25. Review status: criteria provided, single submitter. Criteria: Invitae Variant Classification Sherloc (09022015). Collection method: clinical testing. Allele origin: germline.
Comment: This sequence change replaces glutamine, which is neutral and polar, with arginine, which is basic and polar, at codon 500 of the GRID2 protein (p.Gln500Arg). This variant is not present in population databases (gnomAD no frequency). This variant has not been reported in the literature in individuals affected with GRID2-related conditions. Invitae Evidence Modeling of protein sequence and biophysical properties (such as structural, functional, and spatial information, amino acid conservation, physicochemical variation, residue mobility, and thermodynamic stability) indicates that this missense variant is not expected to disrupt GRID2 protein function with a negative predictive value of 80%. In summary, the available evidence is currently insufficient to determine the role of this variant in disease. Therefore, it has been classified as a Variant of Uncertain Significance.

NM_001510.4(GRID2):c.1499A>G (p.Gln500Arg)

Gene: GRID2 (glutamate ionotropic receptor delta type subunit 2; plus strand). Cytogenetic location: 4q22.2.
Variant type: single nucleotide variant.
Coding change: c.1499A>G on transcript NM_001510.4 (MANE Select); coding-DNA position 1499, A replaced by G.
Protein change: p.Gln500Arg; replaces glutamine 500 with arginine.
Molecular consequence: missense variant.
Genome position (GRCh38, 1-based): chr4:93,422,922, A>G. VCF-style: chr4-93422922-A-G. GRCh37 (hg19) VCF-style: chr4-94344073-A-G.
Other names: c.1214A>G, p.Gln405Arg (NM_001286838.1); c.1499A>G, p.Gln500Arg (NM_001440459.1); short protein forms Q405R, Q500R.
Identifiers: ClinVar variation 4748492 (VCV004748492.1).